The following is an entry in ClinVar:

ClinVar aggregate classification (germline): Uncertain significance. Review status: criteria provided, multiple submitters, no conflicts (2 of 4 stars). 2 submissions from 2 submitters: Uncertain significance (2). Last evaluated 2024-12-01.

gnomAD v4.1: 10 of 1,613,588 alleles (0.00062%); highest among the groups gnomAD compares: South Asian, 0.0088%; no homozygotes.

Submissions (2):

CeGaT Center for Human Genetics Tuebingen
Classification: Uncertain significance. Last evaluated: 2024-12-01. Review status: criteria provided, single submitter. Criteria: CeGaT Center For Human Genetics Tuebingen Variant Classification Criteria Version 2. Collection method: clinical testing. Allele origin: germline. Affected: yes. Observed: 1 variant allele.
Comment: SYNE1: PM2

GeneDx
Classification: Uncertain significance. Last evaluated: 2024-08-19. Review status: criteria provided, single submitter. Criteria: GeneDx Variant Classification Process June 2021. Collection method: clinical testing. Allele origin: germline. Affected: yes.
Comment: Not observed at significant frequency in large population cohorts (gnomAD); In silico analysis indicates that this missense variant does not alter protein structure/function; Has not been previously published as pathogenic or benign to our knowledge

NM_182961.4(SYNE1):c.5372C>T (p.Thr1791Ile)

Gene: SYNE1 (spectrin repeat containing nuclear envelope protein 1; minus strand). Cytogenetic location: 6q25.2.
Variant type: single nucleotide variant.
Coding change: c.5372C>T on transcript NM_182961.4 (MANE Select); coding-DNA position 5372, C replaced by T.
Protein change: p.Thr1791Ile; replaces threonine 1791 with isoleucine.
Molecular consequence: missense variant.
Genome position (GRCh38, 1-based): chr6:152,419,618, G>A on the plus strand (C>T on the coding strand, the complement: SYNE1 is on the minus strand). VCF-style: chr6-152419618-G-A. GRCh37 (hg19) VCF-style: chr6-152740753-G-A.
Other names: c.5393C>T, p.Thr1798Ile (NM_033071.5); short protein forms T1791I, T1798I.
Identifiers: ClinVar variation 3764299 (VCV003764299.14).
Genomic context (GRCh38, chr6:152,419,618, plus strand): 5'-AACCACTTTACCTTATGCCGAGTAAGGGCTACTTGATGGTCCATTATGCTAATCTCAGAG[G>A]TAGTTTGTAATTCACTGAGAAACAGTTTAATCCAGACAGAAAAGGAAAGCAGCAGCTCAT-3'
Protein context (NP_892006.3, residues 1781-1801): IKLFLSELQT[Thr1791Ile]SEISIMDHQV